The following is an entry in ClinVar:

NM_002979.5(SCP2):c.621T>G (p.Asp207Glu)

Gene: SCP2 (sterol carrier protein 2; plus strand). Cytogenetic location: 1p32.3.
Variant type: single nucleotide variant.
Coding change: c.621T>G on transcript NM_002979.5 (MANE Select); coding-DNA position 621, T replaced by G.
Protein change: p.Asp207Glu; replaces aspartic acid 207 with glutamic acid.
Molecular consequence: missense variant.
Genome position (GRCh38, 1-based): chr1:52,976,716, T>G. VCF-style: chr1-52976716-T-G. GRCh37 (hg19) VCF-style: chr1-53442388-T-G.
Other names: c.489T>G, p.Asp163Glu (NM_001007098.3, NM_001193600.2); c.549T>G, p.Asp183Glu (NM_001193599.2); c.378T>G, p.Asp126Glu (NM_001193617.2); c.621T>G, p.Asp207Glu (NM_001330587.2); short protein forms D207E, D183E, D126E, D163E.
Identifiers: ClinVar variation 4777842 (VCV004777842.1).
Genomic context (GRCh38, chr1:52,976,716, plus strand): 5'-TGTAACTAATATTTATTTTGTATTTAGGTATTCCCAGTTCCAAGATGAATACAGTTTAGA[T>G]GAAGTGATGGCATCTAAAGAAGTTTTTGATTTTTTGACTATCTTACAATGTTGGTAAGAA-3'
Protein context (NP_002970.2, residues 197-217): YSQFQDEYSL[Asp207Glu]EVMASKEVFD

ClinVar aggregate classification (germline): Uncertain significance (1 of 4 stars; one submission).

gnomAD v4.1: 1 of 1,566,510 alleles (0.000064%); highest among the groups gnomAD compares: Admixed American, 0.0017%; no homozygotes.

Submission:

Labcorp Genetics (formerly Invitae), Labcorp
Classification: Uncertain significance. Last evaluated: 2025-04-21. Review status: criteria provided, single submitter. Criteria: Invitae Variant Classification Sherloc (09022015). Collection method: clinical testing. Allele origin: germline.
Comment: This sequence change replaces aspartic acid, which is acidic and polar, with glutamic acid, which is acidic and polar, at codon 207 of the SCP2 protein (p.Asp207Glu). This variant is present in population databases (no rsID available, gnomAD 0.003%). This variant has not been reported in the literature in individuals affected with SCP2-related conditions. An algorithm developed to predict the effect of missense changes on protein structure and function outputs the following: PolyPhen-2: "Benign". The glutamic acid amino acid residue is found in multiple mammalian species, which suggests that this missense change does not adversely affect protein function. In summary, the available evidence is currently insufficient to determine the role of this variant in disease. Therefore, it has been classified as a Variant of Uncertain Significance.